The following is an entry in ClinVar:

NM_020719.3(PRR12):c.3825G>A (p.Pro1275=)

Gene: PRR12 (proline rich 12; plus strand). Cytogenetic location: 19q13.33.
Variant type: single nucleotide variant.
Coding change: c.3825G>A on transcript NM_020719.3 (MANE Select); coding-DNA position 3825, G replaced by A.
Protein change: p.Pro1275=; no amino-acid change (proline 1275 retained).
Molecular consequence: synonymous variant.
Genome position (GRCh38, 1-based): chr19:49,599,418, G>A. VCF-style: chr19-49599418-G-A. GRCh37 (hg19) VCF-style: chr19-50102675-G-A.
Identifiers: ClinVar variation 712865 (VCV000712865.6), dbSNP rs73586557, ClinGen allele CA9578364.

ClinVar aggregate classification (germline): Benign. Review status: criteria provided, multiple submitters, no conflicts (2 of 4 stars). 3 submissions from 3 submitters: Benign (2). 1 of the submissions does not count toward it. Last evaluated 2018-06-16.

Conditions:
PRR12-related disorder. Also called: PRR12-related condition.

Allele frequency attached by ClinVar (database versions not stated): gnomAD exomes 0.00055 and 0.00119; ExAC 0.00170; 1000 Genomes Project 0.00439; 1000 Genomes Project 30x 0.00484; ESP Exome Variant Server 0.00492; gnomAD 0.00519 and 0.00562; TOPMed 0.00532.
gnomAD v4.1: 1,619 of 1,610,560 alleles (0.1%); highest among the groups gnomAD compares: African/African-American, 1.8%; 18 homozygotes.

Submissions (3):

Labcorp Genetics (formerly Invitae), Labcorp
Classification: Benign. Last evaluated: 2018-06-16. Review status: criteria provided, single submitter. Criteria: Invitae Variant Classification Sherloc (09022015). Collection method: clinical testing. Allele origin: germline.

Breakthrough Genomics
Classification: Benign. Review status: criteria provided, single submitter. Criteria: ACMG Guidelines, 2015. Collection method: not provided. Allele origin: germline. Inheritance: Autosomal dominant inheritance. Affected: yes.

PreventionGenetics, part of Exact Sciences
Classification: Benign for PRR12-related condition. Last evaluated: 2019-03-08. Review status: no assertion criteria provided. Collection method: clinical testing. Allele origin: germline. Not counted in ClinVar's aggregate classification.
Comment: This variant is classified as benign based on ACMG/AMP sequence variant interpretation guidelines (Richards et al. 2015 PMID: 25741868, with internal and published modifications).